The following is an entry in ClinVar:

ClinVar aggregate classification (germline): Uncertain significance (1 of 4 stars; one submission).

Allele frequency attached by ClinVar (database versions not stated): gnomAD 0.00001.
gnomAD v4.1: 1 of 1,613,516 alleles (0.000062%); highest among the groups gnomAD compares: African/African-American, 0.0013%; no homozygotes.

Submission:

Labcorp Genetics (formerly Invitae), Labcorp
Classification: Uncertain significance. Last evaluated: 2023-08-02. Review status: criteria provided, single submitter. Criteria: Invitae Variant Classification Sherloc (09022015). Collection method: clinical testing. Allele origin: germline.
Comment: This sequence change replaces serine, which is neutral and polar, with glycine, which is neutral and non-polar, at codon 46 of the FN1 protein (p.Ser46Gly). This variant is present in population databases (no rsID available, gnomAD 0.01%). This variant has not been reported in the literature in individuals affected with FN1-related conditions. Advanced modeling of protein sequence and biophysical properties (such as structural, functional, and spatial information, amino acid conservation, physicochemical variation, residue mobility, and thermodynamic stability) performed at Invitae indicates that this missense variant is not expected to disrupt FN1 protein function. In summary, the available evidence is currently insufficient to determine the role of this variant in disease. Therefore, it has been classified as a Variant of Uncertain Significance.

NM_212482.4(FN1):c.136A>G (p.Ser46Gly)

Gene: FN1 (fibronectin 1; minus strand). Cytogenetic location: 2q35.
Variant type: single nucleotide variant.
Coding change: c.136A>G on transcript NM_212482.4 (MANE Select); coding-DNA position 136, A replaced by G.
Protein change: p.Ser46Gly; replaces serine 46 with glycine.
Molecular consequence: missense variant.
Genome position (GRCh38, 1-based): chr2:215,435,667, T>C on the plus strand (A>G on the coding strand, the complement: FN1 is on the minus strand). VCF-style: chr2-215435667-T-C. GRCh37 (hg19) VCF-style: chr2-216300390-T-C.
Other names: c.136A>G, p.Ser46Gly (NM_001306129.2, NM_001306130.2, NM_001306131.2 and 14 more transcripts); short protein forms S46G.
Identifiers: ClinVar variation 2785536 (VCV002785536.3), dbSNP rs1406494770, ClinGen allele CA350480586.